The following is an entry in ClinVar:

ClinVar aggregate classification (germline): Benign (1 of 4 stars; one submission).

Submissions (2):

CeGaT Center for Human Genetics Tuebingen
Classification: Benign. Last evaluated: 2026-09-01. Review status: criteria provided, single submitter. Criteria: CeGaT Center For Human Genetics Tuebingen Variant Classification Criteria Version 2. Collection method: clinical testing. Allele origin: germline. Affected: yes. Observed: 3 variant alleles.
Comment: LAMA3: BP4, BS1, BS2

Dr. Peter K. Rogan Lab, Western University
No classification provided (evidence only). Condition: Malignant tumor of esophagus. Review status: no classification provided. Collection method: in vitro. Allele origin: not applicable. Functional consequence: retained intron. Not counted in ClinVar's aggregate classification.

NM_198129.4(LAMA3):c.3464-20TC[5]

Gene: LAMA3 (laminin subunit alpha 3; plus strand). Cytogenetic location: 18q11.2.
Variant type: Microsatellite.
Coding change: c.3464-20TC[5] on transcript NM_198129.4 (MANE Select); five copies in a row of the 2-base unit TC starting at c.3464-20.
Molecular consequence: intron variant.
Genome position: GRCh38 VCF-style: chr18-23842590-GTCTC-G. GRCh37 (hg19) VCF-style: chr18-21422554-GTCTC-G.
Other names: NC_000018.9:g.21422566_21422569del; c.3464-20TC[5] (NM_001127717.4); c.3464-9_3464-6del (NM_198129.4).
Identifiers: ClinVar variation 4285637 (VCV004285637.5).